The following is an entry in ClinVar:

ClinVar aggregate classification (germline): Benign. Review status: criteria provided, multiple submitters, no conflicts (2 of 4 stars). 2 submissions from 2 submitters: Benign (2). Last evaluated 2018-01-13.

Conditions:
PSAT deficiency. Identifiers: Orphanet 284417, MedGen C1970253, MONDO:0012596, OMIM 610992.

Allele frequency attached by ClinVar (database versions not stated): 1000 Genomes Project 30x 0.03310; gnomAD 0.02208; TOPMed 0.02560; 1000 Genomes Project 0.03215.
gnomAD v4.1: 4,526 of 482,290 alleles (0.94%); highest among the groups gnomAD compares: African/African-American, 7.9%; 167 homozygotes.

Submissions (2):

Illumina Laboratory Services, Illumina
Classification: Benign for PSAT deficiency. Last evaluated: 2018-01-13. Review status: criteria provided, single submitter. Criteria: ICSL Variant Classification Criteria 13 December 2019. Collection method: clinical testing. Allele origin: germline.
Comment: This variant was observed in the ICSL laboratory as part of a predisposition screen in an ostensibly healthy population. It had not been previously curated by ICSL or reported in the Human Gene Mutation Database (HGMD: prior to June 1st, 2018), and was therefore a candidate for classification through an automated scoring system. Utilizing variant allele frequency, disease prevalence and penetrance estimates, and inheritance mode, an automated score was calculated to assess if this variant is too frequent to cause the disease. Based on the score and internal cut-off values, a variant classified as benign is not then subjected to further curation. The score for this variant resulted in a classification of benign for this disease.

Breakthrough Genomics
Classification: Benign. Review status: criteria provided, single submitter. Criteria: ACMG Guidelines, 2015. Collection method: not provided. Allele origin: germline. Inheritance: Autosomal recessive inheritance. Affected: yes.

NM_058179.4(PSAT1):c.*252G>C

Gene: PSAT1 (phosphoserine aminotransferase 1; plus strand). Cytogenetic location: 9q21.2.
Variant type: single nucleotide variant.
Coding change: c.*252G>C on transcript NM_058179.4 (MANE Select); 252 bases downstream of the stop codon, G replaced by C.
Molecular consequence: 3 prime UTR variant.
Genome position (GRCh38, 1-based): chr9:78,329,338, G>C. VCF-style: chr9-78329338-G-C. GRCh37 (hg19) VCF-style: chr9-80944254-G-C.
Other names: c.*252G>C (NM_021154.5).
Identifiers: ClinVar variation 367463 (VCV000367463.6), dbSNP rs17064358, ClinGen allele CA10627627.
Genomic context (GRCh38, chr9:78,329,338, plus strand): 5'-ATTCTGACTTGAACTGGAAGCATTTTAAGAAATCTTGTTGCTTTTCTAACAAATTCCCGC[G>C]TATTTTGCCTTTGCTGCTACTTTTTCTAGTTAGATTTCAAACTTGCCTGTGGACTTAATA-3'